The following is an entry in ClinVar:

ClinVar aggregate classification (germline): Pathogenic (1 of 4 stars; one submission).

Conditions:
Arrhythmogenic right ventricular dysplasia 8 (ARVD8). Also called: Arrhythmogenic Right Ventricular Dysplasia/Cardiomyopathy 8; ARRHYTHMOGENIC RIGHT VENTRICULAR DYSPLASIA, FAMILIAL, 8; ARRHYTHMOGENIC RIGHT VENTRICULAR CARDIOMYOPATHY 8. Identifiers: MedGen C1843896, MONDO:0011831, OMIM 607450.
Arrhythmogenic cardiomyopathy with wooly hair and keratoderma. Also called: Arrhythmogenic cardiomyopathy with woolly hair and keratoderma; PALMOPLANTAR KERATODERMA WITH LEFT VENTRICULAR CARDIOMYOPATHY AND WOOLLY HAIR; Carvajal syndrome; Dilated cardiomyopathy with woolly hair and keratoderma. Identifiers: Orphanet 65282, MedGen C1854063, MONDO:0011581, OMIM 605676.

Submission:

Labcorp Genetics (formerly Invitae), Labcorp
Classification: Pathogenic for Arrhythmogenic cardiomyopathy with wooly hair and keratoderma; Arrhythmogenic right ventricular dysplasia 8. Last evaluated: 2020-01-02. Review status: criteria provided, single submitter. Criteria: Invitae Variant Classification Sherloc (09022015). Collection method: clinical testing. Allele origin: germline.
Comment: For these reasons, this variant has been classified as Pathogenic. Donor and acceptor splice site variants typically lead to a loss of protein function (PMID: 16199547), and loss-of-function variants in DSP are known to be pathogenic (PMID: 20716751, 24503780, 25227139). Experimental studies have shown that disruption of this splice site disrupts mRNA splicing (PMID: 10594734). This variant has not been reported in the literature in individuals with DSP-related conditions. This variant is not present in population databases (ExAC no frequency). This sequence change affects a donor splice site in intron 7 of the DSP gene. It is expected to disrupt RNA splicing and likely results in an absent or disrupted protein product.

Literature cited by the submitters: PubMed 16199547; PubMed 20716751; PubMed 24503780; PubMed 25227139; PubMed 10594734.

NM_004415.4(DSP):c.939+1del

Gene: DSP (desmoplakin; plus strand). Cytogenetic location: 6p24.3.
Variant type: Deletion.
Coding change: c.939+1del on transcript NM_004415.4 (MANE Select); the canonical splice donor site of the intron after coding-DNA position 939, one base deleted (G; older notation c.939+1delG).
Molecular consequence: splice donor variant.
Genome position (GRCh38, 1-based): chr6:7,565,521, G deleted. VCF-style (leftmost placement, unchanged base first): chr6-7565520-CG-C. GRCh37 (hg19) VCF-style: chr6-7565753-CG-C.
Other names: c.939+1del (NM_001319034.2, NM_001008844.3, NM_001406591.1).
Identifiers: ClinVar variation 838578 (VCV000838578.12), dbSNP rs1758835134, ClinGen allele CA916081476.